The following is an entry in ClinVar:

ClinVar aggregate classification (germline): Pathogenic (1 of 4 stars; one submission).

Conditions:
Fraser syndrome 3. Identifiers: MedGen C4540040, MONDO:0054739, OMIM 617667.

Submission:

Myriad Genetics, Inc.
Classification: Pathogenic for Fraser syndrome 3. Last evaluated: 2025-09-20. Review status: criteria provided, single submitter. Criteria: Myriad Autosomal Dominant, Autosomal Recessive and X-Linked Classification Criteria (2023). Collection method: clinical testing. Allele origin: unknown.
Comment: NM_021150.3(GRIP1):c.1216delA(T406Qfs*2) is expected to be pathogenic in the context of Fraser syndrome, GRIP1-related. This variant is predicted to lead to an abnormal or absent protein product due to the creation of a premature termination codon in GRIP1, a gene where loss-of-function variants are known to be pathogenic. Please note: this variant was assessed in the context of healthy population screening.

NM_001366722.1(GRIP1):c.1372del (p.Thr458fs)

Gene: GRIP1 (glutamate receptor interacting protein 1; minus strand). Cytogenetic location: 12q14.3.
Variant type: Deletion.
Coding change: c.1372del on transcript NM_001366722.1 (MANE Select); coding-DNA position 1372, one base deleted (A; older notation c.1372delA).
Protein change: p.Thr458fs; shifts the reading frame from threonine 458.
Molecular consequence: frameshift variant.
Genome position (GRCh38, 1-based): chr12:66,445,491, T deleted on the plus strand (A on the coding strand, the reverse complement: GRIP1 is on the minus strand). VCF-style (leftmost placement, unchanged base first): chr12-66445490-GT-G. GRCh37 (hg19) VCF-style: chr12-66839270-GT-G.
Other names: c.1216del, p.Thr406fs (NM_001178074.2, NM_001379351.1, NM_021150.4); c.1291del, p.Thr431fs (NM_001366723.1, NM_001379348.1); c.1294del, p.Thr432fs (NM_001366724.1, NM_001379347.1); c.1450del, p.Thr484fs (NM_001379345.1); c.1372del, p.Thr458fs (NM_001379346.1, NM_001439323.1); c.1219del, p.Thr407fs (NM_001379349.1); c.1375del, p.Thr459fs (NM_001439322.1); short protein forms T406fs, T407fs, T431fs, T432fs, T458fs, T459fs, T484fs.
Identifiers: ClinVar variation 5015001 (VCV005015001.1).
Genomic context (GRCh38, chr12:66,445,490, plus strand): 5'-TCTGCCGTCAGCACAACCTCTGTGGTTTCTGTGTGAACAACCTGCCCAGCCAATCCTACT[GT>G]GCTGGAGGCTAAGGACACTAGAGGAACAAACAGAAAATACTGACTTTAGGTTGGAGCAAG-3'